The following is an entry in ClinVar:

ClinVar aggregate classification (germline): Conflicting classifications of pathogenicity. Review status: criteria provided, conflicting classifications (1 of 4 stars). 6 submissions from 6 submitters: Uncertain significance (1); Likely benign (4). 1 of the submissions does not count toward it. Last evaluated 2025-10-24.

Allele frequency attached by ClinVar (database versions not stated): gnomAD exomes 0.00028 and 0.00059; ExAC 0.00071; ESP Exome Variant Server 0.00131; gnomAD 0.00211 and 0.00218; TOPMed 0.00250; 1000 Genomes Project 0.00300; 1000 Genomes Project 30x 0.00344.
gnomAD v4.1: 754 of 1,596,132 alleles (0.047%); highest among the groups gnomAD compares: African/African-American, 0.62%; 4 homozygotes.

Submissions (6):

Ambry Genetics
Classification: Uncertain significance. Last evaluated: 2025-10-24. Review status: criteria provided, single submitter. Criteria: Ambry Variant Classification Scheme 2023. Collection method: clinical testing. Allele origin: germline.

Genomic Medicine Center of Excellence, King Faisal Specialist Hospital and Research Centre
Classification: Likely benign. Last evaluated: 2025-08-18. Review status: criteria provided, single submitter. Criteria: ACMG Guidelines, 2015. Collection method: clinical testing. Allele origin: germline.

CeGaT Center for Human Genetics Tuebingen
Classification: Likely benign. Last evaluated: 2023-05-01. Review status: criteria provided, single submitter. Criteria: CeGaT Center For Human Genetics Tuebingen Variant Classification Criteria Version 2. Collection method: clinical testing. Allele origin: germline. Affected: yes. Observed: 1 variant allele.
Comment: PRDM1: BP4

Labcorp Genetics (formerly Invitae), Labcorp
Classification: Likely benign. Last evaluated: 2018-06-19. Review status: criteria provided, single submitter. Criteria: Invitae Variant Classification Sherloc (09022015). Collection method: clinical testing. Allele origin: germline.

Breakthrough Genomics
Classification: Likely benign. Review status: criteria provided, single submitter. Criteria: ACMG Guidelines, 2015. Collection method: not provided. Allele origin: germline. Inheritance: Unknown mechanism. Affected: yes.

ITMI
No classification provided. Condition: AllHighlyPenetrant. Last evaluated: 2013-09-19. Review status: no classification provided. Collection method: reference population. Allele origin: germline. Not counted in ClinVar's aggregate classification.
Comment: Please see associated publication for description of ethnicities

Literature cited by the submitters: PubMed 24728327 (cited by ITMI).

NM_001198.4(PRDM1):c.2464C>A (p.Pro822Thr)

Gene: PRDM1 (PR/SET domain 1; plus strand). Cytogenetic location: 6q21.
Variant type: single nucleotide variant.
Coding change: c.2464C>A on transcript NM_001198.4 (MANE Select); coding-DNA position 2464, C replaced by A.
Protein change: p.Pro822Thr; replaces proline 822 with threonine.
Molecular consequence: missense variant.
Genome position (GRCh38, 1-based): chr6:106,107,472, C>A. VCF-style: chr6-106107472-C-A. GRCh37 (hg19) VCF-style: chr6-106555347-C-A.
Other names: c.2062C>A, p.Pro688Thr (NM_182907.3); short protein forms P822T, P688T.
Identifiers: ClinVar variation 135089 (VCV000135089.30), dbSNP rs75859409, ClinGen allele CA161644.